The following is an entry in ClinVar:

NM_012318.3(LETM1):c.68A>T (p.Tyr23Phe)

Gene: LETM1 (leucine zipper and EF-hand containing transmembrane protein 1; minus strand). Cytogenetic location: 4p16.3.
Variant type: single nucleotide variant.
Coding change: c.68A>T on transcript NM_012318.3 (MANE Select); coding-DNA position 68, A replaced by T.
Protein change: p.Tyr23Phe; replaces tyrosine 23 with phenylalanine.
Molecular consequence: missense variant.
Genome position (GRCh38, 1-based): chr4:1,855,883, T>A on the plus strand (A>T on the coding strand, the complement: LETM1 is on the minus strand). VCF-style: chr4-1855883-T-A. GRCh37 (hg19) VCF-style: chr4-1857610-T-A.
Other names: short protein forms Y23F.
Identifiers: ClinVar variation 1930095 (VCV001930095.5), dbSNP rs1320756932, ClinGen allele CA356014948.

ClinVar aggregate classification (germline): Uncertain significance (1 of 4 stars; one submission).

Allele frequency attached by ClinVar (database versions not stated): gnomAD exomes below 0.00001; TOPMed below 0.00001; gnomAD 0.00001.
gnomAD v4.1: 2 of 1,237,956 alleles (0.00016%); highest among the groups gnomAD compares: Non-Finnish European, 0.0002%; no homozygotes.

Submission:

Labcorp Genetics (formerly Invitae), Labcorp
Classification: Uncertain significance. Last evaluated: 2025-11-04. Review status: criteria provided, single submitter. Criteria: Invitae Variant Classification Sherloc (09022015). Collection method: clinical testing. Allele origin: germline.
Comment: This sequence change replaces tyrosine, which is neutral and polar, with phenylalanine, which is neutral and non-polar, at codon 23 of the LETM1 protein (p.Tyr23Phe). This variant is not present in population databases (gnomAD no frequency). This variant has not been reported in the literature in individuals affected with LETM1-related conditions. ClinVar contains an entry for this variant (Variation ID: 1930095). An algorithm developed to predict the effect of missense changes on protein structure and function (PolyPhen-2) suggests that this variant is likely to be tolerated. In summary, the available evidence is currently insufficient to determine the role of this variant in disease. Therefore, it has been classified as a Variant of Uncertain Significance.